The following is an entry in ClinVar:

ClinVar aggregate classification (germline): Uncertain significance. Review status: criteria provided, multiple submitters, no conflicts (2 of 4 stars). 2 submissions from 2 submitters: Uncertain significance (2). Last evaluated 2024-11-15.

Conditions:
Oligodontia-cancer predisposition syndrome. Also called: TOOTH AGENESIS-COLORECTAL CANCER SYNDROME. Identifiers: Orphanet 300576, MedGen C1837750, MONDO:0012075, OMIM 608615. Disease mechanism: loss of function.
Hereditary cancer-predisposing syndrome. Also called: Neoplastic Syndromes, Hereditary; Tumor predisposition; Hereditary neoplastic syndrome; Hereditary Cancer Syndrome. Identifiers: Orphanet 140162, MedGen C0027672, MeSH D009386, MONDO:0015356.

Allele frequency attached by ClinVar (database versions not stated): gnomAD exomes below 0.00001; ExAC 0.00001.

Submissions (2):

Labcorp Genetics (formerly Invitae), Labcorp
Classification: Uncertain significance for Oligodontia-cancer predisposition syndrome. Last evaluated: 2024-11-15. Review status: criteria provided, single submitter. Criteria: Invitae Variant Classification Sherloc (09022015). Collection method: clinical testing. Allele origin: germline.
Comment: This sequence change replaces methionine, which is neutral and non-polar, with lysine, which is basic and polar, at codon 189 of the AXIN2 protein (p.Met189Lys). This variant is present in population databases (rs759953633, gnomAD 0.003%). This variant has not been reported in the literature in individuals affected with AXIN2-related conditions. ClinVar contains an entry for this variant (Variation ID: 663748). Invitae Evidence Modeling of protein sequence and biophysical properties (such as structural, functional, and spatial information, amino acid conservation, physicochemical variation, residue mobility, and thermodynamic stability) indicates that this missense variant is not expected to disrupt AXIN2 protein function with a negative predictive value of 80%. In summary, the available evidence is currently insufficient to determine the role of this variant in disease. Therefore, it has been classified as a Variant of Uncertain Significance.

Ambry Genetics
Classification: Uncertain significance for Hereditary cancer-predisposing syndrome. Last evaluated: 2024-04-22. Review status: criteria provided, single submitter. Criteria: Ambry Variant Classification Scheme 2023. Collection method: clinical testing. Allele origin: germline.
Comment: The p.M189K variant (also known as c.566T>A), located in coding exon 1 of the AXIN2 gene, results from a T to A substitution at nucleotide position 566. The methionine at codon 189 is replaced by lysine, an amino acid with similar properties. This amino acid position is conserved. In addition, this alteration is predicted to be tolerated by in silico analysis. Since supporting evidence is limited at this time, the clinical significance of this alteration remains unclear.

NM_004655.4(AXIN2):c.566T>A (p.Met189Lys)

Gene: AXIN2 (axin 2; minus strand). Cytogenetic location: 17q24.1.
Variant type: single nucleotide variant.
Coding change: c.566T>A on transcript NM_004655.4 (MANE Select); coding-DNA position 566, T replaced by A.
Protein change: p.Met189Lys; replaces methionine 189 with lysine.
Molecular consequence: missense variant.
Genome position (GRCh38, 1-based): chr17:65,558,055, A>T on the plus strand (T>A on the coding strand, the complement: AXIN2 is on the minus strand). VCF-style: chr17-65558055-A-T. GRCh37 (hg19) VCF-style: chr17-63554173-A-T.
Other names: c.566T>A, p.Met189Lys (NM_001363813.1); c.566T>A (LRG_296t1); short protein forms M189K.
Identifiers: ClinVar variation 663748 (VCV000663748.11), dbSNP rs759953633, ClinGen allele CA8719030.